The following is an entry in ClinVar:

ClinVar aggregate classification (germline): Uncertain significance. Review status: criteria provided, multiple submitters, no conflicts (2 of 4 stars). 3 submissions from 3 submitters: Uncertain significance (3). Last evaluated 2025-07-21.

Conditions:
Wolfram syndrome 1 (WFS1). Identifiers: Orphanet 3463, MedGen C4551693, MONDO:0009101, OMIM 222300.

Allele frequency attached by ClinVar (database versions not stated): gnomAD exomes below 0.00001; TOPMed below 0.00001.

Submissions (3):

GeneDx
Classification: Uncertain significance. Last evaluated: 2025-07-21. Review status: criteria provided, single submitter. Criteria: GeneDx Variant Classification Process June 2021. Collection method: clinical testing. Allele origin: germline. Affected: yes.
Comment: Not observed at significant frequency in large population cohorts (gnomAD); In silico analysis suggests that this missense variant does not alter protein structure/function; Has not been previously published as pathogenic or benign to our knowledge

Labcorp Genetics (formerly Invitae), Labcorp
Classification: Uncertain significance. Last evaluated: 2024-09-06. Review status: criteria provided, single submitter. Criteria: Invitae Variant Classification Sherloc (09022015). Collection method: clinical testing. Allele origin: germline.
Comment: This sequence change replaces phenylalanine, which is neutral and non-polar, with tyrosine, which is neutral and polar, at codon 884 of the WFS1 protein (p.Phe884Tyr). This variant is present in population databases (no rsID available, gnomAD 0.0009%). This variant has not been reported in the literature in individuals affected with WFS1-related conditions. ClinVar contains an entry for this variant (Variation ID: 215404). Invitae Evidence Modeling of protein sequence and biophysical properties (such as structural, functional, and spatial information, amino acid conservation, physicochemical variation, residue mobility, and thermodynamic stability) indicates that this missense variant is not expected to disrupt WFS1 protein function with a negative predictive value of 95%. In summary, the available evidence is currently insufficient to determine the role of this variant in disease. Therefore, it has been classified as a Variant of Uncertain Significance.

Clinical Genomics, Uppaluri K&H Personalized Medicine Clinic
Classification: Uncertain significance for Wolfram syndrome 1. Review status: criteria provided, single submitter. Criteria: K & H Uppaluri Personalized Medicine Clinic Variant Classification & Assertion Criteria_Updated V.1. Collection method: research. Allele origin: unknown. Inheritance: Autosomal recessive inheritance.
Comment: Potent mutations in WFS1 gene are associated with Wolfram's syndrome, an autosomal recessive condition, which cause diabetes mellitus, diabetes insipidus, deafness and optic atrophy.However no sufficient evidence is found to ascertain the role of this particular variant rs863224263 in Wolfram's syndrome yet.

Literature cited by the submitters: PubMed 20738327 (cited by Clinical Genomics, Uppaluri K&H Personalized Medicine Clinic); PubMed 33879153 (cited by Clinical Genomics, Uppaluri K&H Personalized Medicine Clinic); PubMed 12955714 (cited by Clinical Genomics, Uppaluri K&H Personalized Medicine Clinic); PubMed 18060660 (cited by Clinical Genomics, Uppaluri K&H Personalized Medicine Clinic); PubMed 20301750 (cited by Clinical Genomics, Uppaluri K&H Personalized Medicine Clinic); PubMed 17603484 (cited by Clinical Genomics, Uppaluri K&H Personalized Medicine Clinic).

NM_006005.3(WFS1):c.2651T>A (p.Phe884Tyr)

Gene: WFS1 (wolframin ER transmembrane glycoprotein; plus strand). Cytogenetic location: 4p16.1.
Variant type: single nucleotide variant.
Coding change: c.2651T>A on transcript NM_006005.3 (MANE Select); coding-DNA position 2651, T replaced by A.
Protein change: p.Phe884Tyr; replaces phenylalanine 884 with tyrosine.
Molecular consequence: missense variant.
Genome position (GRCh38, 1-based): chr4:6,302,446, T>A. VCF-style: chr4-6302446-T-A. GRCh37 (hg19) VCF-style: chr4-6304173-T-A.
Other names: p.F884Y:TTC>TAC; c.2651T>A, p.Phe884Tyr (NM_001145853.1); short protein forms F884Y.
Identifiers: ClinVar variation 215404 (VCV000215404.10), dbSNP rs863224263, ClinGen allele CA320140.
Genomic context (GRCh38, chr4:6,302,446, plus strand): 5'-AGCACGACTGGCGCAGCACCGTGCATGGCGCCGTGAAGTTCGCCTTCGACTTCTTTTTCT[T>A]CCCATTCCTGTCGGCGGCCTGAGGATGGTCCGCCACGAGGAGCTTCCAGTGCATGTTGCC-3'
Protein context (NP_005996.2, residues 874-890): AVKFAFDFFF[Phe884Tyr]PFLSAA